The following is an entry in ClinVar:

ClinVar aggregate classification (germline): Pathogenic. Review status: criteria provided, multiple submitters, no conflicts (2 of 4 stars). 3 submissions from 3 submitters: Pathogenic (3). Last evaluated 2025-02-28.

Conditions:
Spinal muscular atrophy with congenital bone fractures 2 (SMABF2). Identifiers: MedGen C4225176, MONDO:0014807, OMIM 616867.

Submissions (3):

3billion
Classification: Pathogenic for Spinal muscular atrophy with congenital bone fractures 2. Last evaluated: 2025-02-28. Review status: criteria provided, single submitter. Criteria: ACMG Guidelines, 2015. Collection method: clinical testing. Allele origin: germline. Affected: yes.
Comment: The variant is observed at an extremely low frequency in the gnomAD v4.1.0 dataset (total allele frequency: <0.001%). Predicted Consequence/Location: Stop-gained (nonsense): predicted to result in a loss or disruption of normal protein function through nonsense-mediated decay (NMD) or protein truncation. Multiple pathogenic variants are reported downstream of the variant. The variant has been reported at least twice as pathogenic with clinical assertions and evidence for the classification (ClinVar ID: VCV001029240). Therefore, this variant is classified as Pathogenic according to the recommendation of ACMG/AMP guideline.

Genomic Medicine Center of Excellence, King Faisal Specialist Hospital and Research Centre
Classification: Pathogenic for Spinal muscular atrophy with congenital bone fractures 2. Last evaluated: 2024-03-14. Review status: criteria provided, single submitter. Criteria: ACMG Guidelines, 2015. Collection method: clinical testing. Allele origin: germline.

Baylor Genetics
Classification: Pathogenic for Spinal muscular atrophy with congenital bone fractures 2. Last evaluated: 2020-06-03. Review status: criteria provided, single submitter. Criteria: ACMG Guidelines, 2015. Collection method: clinical testing. Allele origin: unknown. Affected: yes.
Comment: This variant was determined to be pathogenic according to ACMG Guidelines, 2015 [PMID:25741868].

NM_001198800.3(ASCC1):c.784C>T (p.Gln262Ter)

Gene: ASCC1 (activating signal cointegrator 1 complex subunit 1; minus strand). Cytogenetic location: 10q22.1.
Variant type: single nucleotide variant.
Coding change: c.784C>T on transcript NM_001198800.3 (MANE Select); coding-DNA position 784, C replaced by T.
Protein change: p.Gln262Ter; replaces glutamine 262 with a stop codon.
Molecular consequence: nonsense. On other transcripts: non-coding transcript variant (1).
Genome position (GRCh38, 1-based): chr10:72,133,144, G>A on the plus strand (C>T on the coding strand, the complement: ASCC1 is on the minus strand). VCF-style: chr10-72133144-G-A. GRCh37 (hg19) VCF-style: chr10-73892902-G-A.
Other names: c.784C>T, p.Gln262Ter (NM_001198798.2, NM_001369087.1, NM_001369088.1 and 12 more transcripts); c.868C>T, p.Gln290Ter (NM_001198799.3); c.850C>T, p.Gln284Ter (NM_001369085.1, NM_001369086.1); c.730C>T, p.Gln244Ter (NM_001369099.1); c.664C>T, p.Gln222Ter (NM_001369100.1, NM_001369103.1, NM_001369104.1 and 3 more transcripts); c.667C>T, p.Gln223Ter (NM_001369101.1, NM_001369102.1, NM_001369105.1 and 2 more transcripts); short protein forms Q223*, Q244*, Q262*, Q284*, Q222*, Q290*.
Identifiers: ClinVar variation 1029240 (VCV001029240.3), dbSNP rs778054296, ClinGen allele CA5548919.